The following is an entry in ClinVar:

NM_000093.5(COL5A1):c.3985C>T (p.Pro1329Ser)

Gene: COL5A1 (collagen type V alpha 1 chain; plus strand). Cytogenetic location: 9q34.3.
Variant type: single nucleotide variant.
Coding change: c.3985C>T on transcript NM_000093.5 (MANE Select); coding-DNA position 3985, C replaced by T.
Protein change: p.Pro1329Ser; replaces proline 1329 with serine.
Molecular consequence: missense variant.
Genome position (GRCh38, 1-based): chr9:134,814,875, C>T. VCF-style: chr9-134814875-C-T. GRCh37 (hg19) VCF-style: chr9-137706721-C-T.
Other names: c.3985C>T, p.Pro1329Ser (NM_001278074.1); short protein forms P1329S.
Identifiers: ClinVar variation 1372278 (VCV001372278.6), dbSNP rs1462221629, ClinGen allele CA375456132.

ClinVar aggregate classification (germline): Uncertain significance (1 of 4 stars; one submission).

Conditions:
Ehlers-Danlos syndrome, classic type, 1 (EDSCL1). Also called: EHLERS-DANLOS SYNDROME, GRAVIS TYPE; EHLERS-DANLOS SYNDROME, SEVERE CLASSIC TYPE; Ehlers-Danlos syndrome, type 1; EDS I; Ehlers-Danlos Syndrome, Classic Type, COL5A1-Related. Identifiers: MedGen C0268335, MONDO:0019567, OMIM 130000.

Allele frequency attached by ClinVar (database versions not stated): gnomAD exomes below 0.00001.
gnomAD v4.1: 1 of 1,551,180 alleles (0.000064%); highest among the groups gnomAD compares: African/African-American, 0.0014%; no homozygotes.

Submission:

Labcorp Genetics (formerly Invitae), Labcorp
Classification: Uncertain significance for Ehlers-Danlos syndrome, classic type, 1. Last evaluated: 2021-08-15. Review status: criteria provided, single submitter. Criteria: Invitae Variant Classification Sherloc (09022015). Collection method: clinical testing. Allele origin: germline.
Comment: This variant is not present in population databases (ExAC no frequency). In summary, the available evidence is currently insufficient to determine the role of this variant in disease. Therefore, it has been classified as a Variant of Uncertain Significance. Advanced modeling of protein sequence and biophysical properties (such as structural, functional, and spatial information, amino acid conservation, physicochemical variation, residue mobility, and thermodynamic stability) performed at Invitae indicates that this missense variant is not expected to disrupt COL5A1 protein function. This variant has not been reported in the literature in individuals affected with COL5A1-related conditions. This sequence change replaces proline with serine at codon 1329 of the COL5A1 protein (p.Pro1329Ser). The proline residue is highly conserved and there is a moderate physicochemical difference between proline and serine.